The following is an entry in ClinVar:

ClinVar aggregate classification (germline): Uncertain significance. Review status: criteria provided, single submitter (1 of 4 stars). 5 submissions from 3 submitters: Uncertain significance (1). 4 of the submissions do not count toward it. Last evaluated 2025-08-15.

Conditions:
Jeune thoracic dystrophy. Also called: Short-rib thoracic dysplasia; Jeune syndrome; Infantile thoracic dystrophy; Thoracic pelvic phalangeal dystrophy; Jeune's syndrome; Chondroectodermal dysplasia-like syndrome. Identifiers: Orphanet 474, MedGen C0265275, MONDO:0018770.
Asphyxiating thoracic dystrophy 3. Also called: SHORT-RIB THORACIC DYSPLASIA 3 WITH OR WITHOUT POLYDACTYLY; POLYDACTYLY WITH NEONATAL CHONDRODYSTROPHY, TYPE I; SHORT-RIB THORACIC DYSPLASIA 3/6 WITH POLYDACTYLY, DIGENIC; Saldino-Noonan Syndrome; Short rib polydactyly syndrome 2B. Identifiers: Orphanet 474, Orphanet 93269, Orphanet 93270, Orphanet 93271, MedGen C0036069, MONDO:0013127, OMIM 613091.

Submissions (5):

Myriad Genetics, Inc.
Classification: Uncertain significance for Asphyxiating thoracic dystrophy 3. Last evaluated: 2025-08-15. Review status: criteria provided, single submitter. Criteria: Myriad Autosomal Dominant, Autosomal Recessive and X-Linked Classification Criteria (2023). Collection method: clinical testing. Allele origin: unknown.
Comment: NM_001377.2(DYNC2H1):c.4162_4170dup9(V1388_T1390dup) is an in-frame insertion classified as a variant of uncertain significance in the context of DYNC2H1-related disorders. V1388_T1390dup has been observed in cases with relevant disease (PMID: 29068549). Relevant functional assessments of this variant are not available in the literature. V1388_T1390dup has not been observed in referenced population frequency databases. In summary, there is insufficient evidence to classify NM_001377.2(DYNC2H1):c.4162_4170dup9(V1388_T1390dup) as pathogenic or benign. Please note: this variant was assessed in the context of healthy population screening.

Dan Cohn Lab, University Of California Los Angeles
Classification: Pathogenic for Asphyxiating thoracic dystrophy. Last evaluated: 2017-06-01. Review status: no assertion criteria provided. Collection method: research. Allele origin: unknown, paternal. Affected: yes. Not counted in ClinVar's aggregate classification.

Dan Cohn Lab, University Of California Los Angeles
Classification: Likely pathogenic for Asphyxiating thoracic dystrophy 3. Last evaluated: 2017-06-01. Review status: no assertion criteria provided. Collection method: research. Allele origin: unknown. Affected: yes. Not counted in ClinVar's aggregate classification.

University of Washington Center for Mendelian Genomics, University of Washington
Classification: Likely pathogenic for Asphyxiating thoracic dystrophy 3. Review status: no assertion criteria provided. Collection method: research. Allele origin: inherited. Affected: yes. Not counted in ClinVar's aggregate classification.

University of Washington Center for Mendelian Genomics, University of Washington
Classification: Likely pathogenic for asphyxiating thoracic dystrophy. Review status: no assertion criteria provided. Collection method: research. Allele origin: inherited. Affected: yes. Not counted in ClinVar's aggregate classification.

Literature cited by the submitters: PubMed 29068549 (cited by 3 submitters).

NM_001377.3(DYNC2H1):c.4162_4170dup (p.Val1388_Thr1390dup)

Gene: DYNC2H1 (dynein cytoplasmic 2 heavy chain 1; plus strand). Cytogenetic location: 11q22.3.
Variant type: Duplication.
Coding change: c.4162_4170dup on transcript NM_001377.3 (MANE Select); coding-DNA positions 4162 to 4170, 9 bases duplicated (GTCACAACA; older notation c.4162_4170dupGTCACAACA).
Protein change: p.Val1388_Thr1390dup.
Molecular consequence: inframe insertion.
Genome position (GRCh38, 1-based): chr11:103,158,711-103,158,719, GTCACAACA duplicated; duplicating any 9 consecutive bases within chr11:103,158,710-103,158,719 gives the same sequence; the c. name uses the placement nearest the transcript's 3' end. VCF-style (leftmost placement, unchanged base first): chr11-103158709-G-GAGTCACAAC. GRCh37 (hg19) VCF-style: chr11-103029438-G-GAGTCACAAC.
Other names: c.4162_4170dup, p.Val1388_Thr1390dup (NM_001080463.2); c.4162_4170dupGTCACAACA (NM_001080463.1).
Identifiers: ClinVar variation 446585 (VCV000446585.4), dbSNP rs1555051720, ClinGen allele CA476739496.